The following is an entry in ClinVar:

ClinVar aggregate classification (germline): Likely pathogenic (1 of 4 stars; one submission).

Submissions (2):

Labcorp Genetics (formerly Invitae), Labcorp
Classification: Likely pathogenic. Last evaluated: 2024-01-17. Review status: criteria provided, single submitter. Criteria: Invitae Variant Classification Sherloc (09022015). Collection method: clinical testing. Allele origin: germline.
Comment: This sequence change affects a splice site in intron 5 of the ITGA6 gene. It is expected to disrupt RNA splicing. Variants that disrupt the donor or acceptor splice site typically lead to a loss of protein function (PMID: 16199547), and loss-of-function variants in ITGA6 are known to be pathogenic (PMID: 9158140, 9185503, 9804362, 27607025). This variant is present in population databases (rs759810439, gnomAD 0.007%). This variant has not been reported in the literature in individuals affected with ITGA6-related conditions. Algorithms developed to predict the effect of sequence changes on RNA splicing suggest that this variant may disrupt the consensus splice site. In summary, the currently available evidence indicates that the variant is pathogenic, but additional data are needed to prove that conclusively. Therefore, this variant has been classified as Likely Pathogenic.

Dr. Peter K. Rogan Lab, Western University
No classification provided (evidence only). Condition: Clear cell carcinoma of kidney. Review status: no classification provided. Collection method: in vitro. Allele origin: not applicable. Functional consequence: skipped exon, retained intron. Not counted in ClinVar's aggregate classification.

Literature cited by the submitters: PubMed 16199547 (cited by Labcorp Genetics (formerly Invitae), Labcorp); PubMed 9158140 (cited by Labcorp Genetics (formerly Invitae), Labcorp); PubMed 9185503 (cited by Labcorp Genetics (formerly Invitae), Labcorp); PubMed 9804362 (cited by Labcorp Genetics (formerly Invitae), Labcorp); PubMed 27607025 (cited by Labcorp Genetics (formerly Invitae), Labcorp).

NM_000210.4(ITGA6):c.775+2_775+5del

Genes: ITGA6 (integrin subunit alpha 6; plus strand), PDK1-AS1 (PDK1 and ITGA6 antisense RNA 1; minus strand). Cytogenetic location: 2q31.1.
Variant type: Microsatellite.
Coding change: c.775+2_775+5del on transcript NM_000210.4 (MANE Select); the canonical splice donor site of the intron after coding-DNA position 775 through 5 bases into the intron after coding-DNA position 775, 4 bases deleted (TAGG; older notation c.775+2_775+5delTAGG).
Molecular consequence: splice donor variant. On other transcripts: intron variant (1).
Genome position (GRCh38, 1-based): chr2:172,471,107-172,471,110, TAGG deleted; deleting any 4 consecutive bases within chr2:172,471,103-172,471,110 gives the same sequence; the c. name uses the placement nearest the transcript's 3' end. VCF-style (leftmost placement, unchanged base first): chr2-172471102-TTAGG-T. GRCh37 (hg19) VCF-style: chr2-173335830-TTAGG-T.
Other names: NC_000002.11:g.173335835_173335838del; c.302-1667_302-1664del (NM_001316306.2); c.775+2_775+5del (NM_001394928.1, NM_001079818.3, NM_001365530.2 and 1 more transcripts).
Identifiers: ClinVar variation 1927074 (VCV001927074.6), dbSNP rs759810439, ClinGen allele CA1967902.